The following is an entry in ClinVar:

ClinVar aggregate classification (germline): Benign/Likely benign. Review status: criteria provided, multiple submitters, no conflicts (2 of 4 stars). 4 submissions from 4 submitters: Benign (1); Likely benign (3). Last evaluated 2026-02-18.

Conditions:
OTOA-related disorder. Also called: OTOA-related condition.

Allele frequency attached by ClinVar (database versions not stated): ESP Exome Variant Server 0.00023; gnomAD 0.00037 and 0.00039; TOPMed 0.00043; 1000 Genomes Project 30x 0.00047; 1000 Genomes Project 0.00060; gnomAD exomes 0.00003 and 0.00006; ExAC 0.00008.
gnomAD v4.1: 103 of 1,613,864 alleles (0.0064%); highest among the groups gnomAD compares: African/African-American, 0.13%; 1 homozygote.

Submissions (4):

PreventionGenetics, part of Exact Sciences
Classification: Likely benign for OTOA-related condition. Last evaluated: 2026-02-18. Review status: criteria provided, single submitter. Criteria: ACMG Guidelines, 2015. Collection method: clinical testing. Allele origin: germline.
Comment: This variant is classified as likely benign based on ACMG/AMP sequence variant interpretation guidelines (Richards et al. 2015 PMID: 25741868, with internal and published modifications).

Labcorp Genetics (formerly Invitae), Labcorp
Classification: Benign. Last evaluated: 2025-03-20. Review status: criteria provided, single submitter. Criteria: Invitae Variant Classification Sherloc (09022015). Collection method: clinical testing. Allele origin: germline.

Blueprint Genetics
Classification: Likely benign. Last evaluated: 2024-04-24. Review status: criteria provided, single submitter. Criteria: ACMG Guidelines, 2015. Collection method: clinical testing. Allele origin: germline.

GeneDx
Classification: Likely benign. Last evaluated: 2018-06-22. Review status: criteria provided, single submitter. Criteria: GeneDx Variant Classification Process June 2021. Collection method: clinical testing. Allele origin: germline. Affected: yes.

NM_144672.4(OTOA):c.1125C>T (p.Asp375=)

Gene: OTOA (otoancorin). Cytogenetic location: 16p12.2.
Variant type: single nucleotide variant.
Coding change: c.1125C>T on transcript NM_144672.4 (MANE Select); coding-DNA position 1125, C replaced by T.
Protein change: p.Asp375=; no amino-acid change (aspartic acid 375 retained).
Molecular consequence: synonymous variant.
Genome position (GRCh38, 1-based): chr16:21,709,908, C>T. VCF-style: chr16-21709908-C-T. GRCh37 (hg19) VCF-style: chr16-21721229-C-T.
Other names: c.888C>T, p.Asp296= (NM_001161683.2); c.153C>T, p.Asp51= (NM_170664.3).
Identifiers: ClinVar variation 1214844 (VCV001214844.8), dbSNP rs140449342, ClinGen allele CA7952554.